The following is an entry in ClinVar:

NM_139279.6(MCFD2):c.*2658C>T

Genes: MCFD2 (multiple coagulation factor deficiency 2, ER cargo receptor complex subunit; minus strand), MCFD2-AS1 (MCFD2 antisense RNA 1; plus strand). Cytogenetic location: 2p21.
Variant type: single nucleotide variant.
Coding change: c.*2658C>T on transcript NM_139279.6 (MANE Select); 2658 bases downstream of the stop codon, C replaced by T.
Molecular consequence: 3 prime UTR variant.
Genome position (GRCh38, 1-based): chr2:46,902,805, G>A on the plus strand (C>T on the coding strand, the complement: MCFD2 is on the minus strand). VCF-style: chr2-46902805-G-A. GRCh37 (hg19) VCF-style: chr2-47129944-G-A.
Other names: c.*2658C>T (NM_001171506.2, NM_001171507.2, NM_001171508.2 and 3 more transcripts).
Identifiers: ClinVar variation 336336 (VCV000336336.6), dbSNP rs17035887, ClinGen allele CA10615667.

ClinVar aggregate classification (germline): Benign. Review status: criteria provided, multiple submitters, no conflicts (2 of 4 stars). 2 submissions from 2 submitters: Benign (2). Last evaluated 2018-01-13.

Conditions:
Factor 5 and Factor VIII, combined deficiency of, 2. Identifiers: Orphanet 35909, MedGen C3150889, MONDO:0013331, OMIM 613625.

Allele frequency attached by ClinVar (database versions not stated): gnomAD 0.11807 and 0.11514; 1000 Genomes Project 0.13139; 1000 Genomes Project 30x 0.13585; TOPMed 0.12379.

Submissions (2):

Illumina Laboratory Services, Illumina
Classification: Benign for Factor 5 and Factor VIII, combined deficiency of, 2. Last evaluated: 2018-01-13. Review status: criteria provided, single submitter. Criteria: ICSL Variant Classification Criteria 13 December 2019. Collection method: clinical testing. Allele origin: germline.
Comment: This variant was observed in the ICSL laboratory as part of a predisposition screen in an ostensibly healthy population. It had not been previously curated by ICSL or reported in the Human Gene Mutation Database (HGMD: prior to June 1st, 2018), and was therefore a candidate for classification through an automated scoring system. Utilizing variant allele frequency, disease prevalence and penetrance estimates, and inheritance mode, an automated score was calculated to assess if this variant is too frequent to cause the disease. Based on the score and internal cut-off values, a variant classified as benign is not then subjected to further curation. The score for this variant resulted in a classification of benign for this disease.

Breakthrough Genomics
Classification: Benign. Review status: criteria provided, single submitter. Criteria: ACMG Guidelines, 2015. Collection method: not provided. Allele origin: germline. Inheritance: Unknown mechanism. Affected: yes.